The following is an entry in ClinVar:

ClinVar aggregate classification (germline): Uncertain significance (1 of 4 stars; one submission).

Allele frequency attached by ClinVar (database versions not stated): gnomAD exomes below 0.00001; TOPMed below 0.00001; gnomAD 0.00001.
gnomAD v4.1: 7 of 1,613,424 alleles (0.00043%); highest among the groups gnomAD compares: East Asian, 0.0089%; no homozygotes.

Submission:

Labcorp Genetics (formerly Invitae), Labcorp
Classification: Uncertain significance. Last evaluated: 2023-07-25. Review status: criteria provided, single submitter. Criteria: Invitae Variant Classification Sherloc (09022015). Collection method: clinical testing. Allele origin: germline.
Comment: Advanced modeling of protein sequence and biophysical properties (such as structural, functional, and spatial information, amino acid conservation, physicochemical variation, residue mobility, and thermodynamic stability) performed at Invitae indicates that this missense variant is not expected to disrupt SEPT9 protein function. This sequence change replaces arginine, which is basic and polar, with histidine, which is basic and polar, at codon 58 of the SEPT9 protein (p.Arg58His). This variant is present in population databases (no rsID available, gnomAD 0.006%). This variant has not been reported in the literature in individuals affected with SEPT9-related conditions. In summary, the available evidence is currently insufficient to determine the role of this variant in disease. Therefore, it has been classified as a Variant of Uncertain Significance.

NM_001113491.2(SEPTIN9):c.227G>A (p.Arg76His)

Gene: SEPTIN9 (septin 9; plus strand). Cytogenetic location: 17q25.3.
Variant type: single nucleotide variant.
Coding change: c.227G>A on transcript NM_001113491.2 (MANE Select); coding-DNA position 227, G replaced by A.
Protein change: p.Arg76His; replaces arginine 76 with histidine.
Molecular consequence: missense variant. On other transcripts: 5 prime UTR variant (2).
Genome position (GRCh38, 1-based): chr17:77,402,209, G>A. VCF-style: chr17-77402209-G-A. GRCh37 (hg19) VCF-style: chr17-75398291-G-A.
Other names: c.-266G>A (NM_001113492.2, NM_001113494.1); c.206G>A, p.Arg69His (NM_001113493.2); c.170G>A, p.Arg57His (NM_001293695.2); c.173G>A, p.Arg58His (NM_006640.5); short protein forms R58H, R69H, R57H, R76H.
Identifiers: ClinVar variation 2779051 (VCV002779051.3), dbSNP rs1243571141, ClinGen allele CA401205748.
Genomic context (GRCh38, chr17:77,402,209, plus strand): 5'-TGGCCAGCTCCACCCAGAAATTCCAGGACCTGGGCGTGAAGAACTCAGAACCCTCGGCCC[G>A]CCATGTGGACTCCCTAAGCCAACGCTCCCCCAAGGCGTCCCTGCGGAGGGTGGAGCTCTC-3'
Protein context (NP_001106963.1, residues 66-86): LGVKNSEPSA[Arg76His]HVDSLSQRSP